The following is an entry in ClinVar:

ClinVar aggregate classification (germline): Pathogenic/Likely pathogenic. Review status: criteria provided, multiple submitters, no conflicts (2 of 4 stars). 7 submissions from 7 submitters: Pathogenic (4); Likely pathogenic (2). 1 of the submissions does not count toward it. Last evaluated 2026-07-23.

Conditions:
3-hydroxy-3-methylglutaryl-CoA synthase deficiency (HMGCS2D). Also called: HMG-CoA synthase-2 deficiency; HMGCS2 DEFICIENCY; MITOCHONDRIAL HMG-CoA SYNTHASE DEFICIENCY. Identifiers: Orphanet 35701, MedGen C2751532, MONDO:0011614, OMIM 605911.

Allele frequency attached by ClinVar (database versions not stated): ExAC 0.00023; gnomAD 0.00026 and 0.00024; TOPMed 0.00019; gnomAD exomes 0.00022 and 0.00025.
gnomAD v4.1: 405 of 1,614,012 alleles (0.025%); highest among the groups gnomAD compares: Non-Finnish European, 0.031%; 1 homozygote.

Submissions (7):

GeneDx
Classification: Pathogenic. Last evaluated: 2026-07-23. Review status: criteria provided, single submitter. Criteria: GeneDx Variant Classification Process June 2021. Collection method: clinical testing. Allele origin: germline.
Comment: Published functional studies demonstrate a damaging effect: lack of production of a soluble protein and no residual 3-hydroxy-3-methylglutaryl-CoA synthase enzyme activity compared to wild type (PMID: 11479731, 23751782); Missense variants in this gene are a common cause of disease and they are underrepresented in the general population; In silico analysis supports that this missense variant has a deleterious effect on protein structure/function; This variant is associated with the following publications: (PMID: 23751782, 20346956, 25511235, 11479731, 31980526, 31589614, 12072887, 38535124, 32905056)

Labcorp Genetics (formerly Invitae), Labcorp
Classification: Pathogenic for 3-hydroxy-3-methylglutaryl-CoA synthase deficiency. Last evaluated: 2025-11-18. Review status: criteria provided, single submitter. Criteria: Invitae Variant Classification Sherloc (09022015). Collection method: clinical testing. Allele origin: germline.
Comment: This sequence change replaces glycine, which is neutral and non-polar, with arginine, which is basic and polar, at codon 212 of the HMGCS2 protein (p.Gly212Arg). This variant is present in population databases (rs137852638, gnomAD 0.05%), including at least one homozygous and/or hemizygous individual. This missense change has been observed in individual(s) with 3-hydroxy-3-methylglutaryl-CoA synthase deficiency (PMID: 11479731, 12072887, 25511235). In at least one individual the data is consistent with being in trans (on the opposite chromosome) from a pathogenic variant. ClinVar contains an entry for this variant (Variation ID: 9259). Invitae Evidence Modeling of protein sequence and biophysical properties (such as structural, functional, and spatial information, amino acid conservation, physicochemical variation, residue mobility, and thermodynamic stability) indicates that this missense variant is expected to disrupt HMGCS2 protein function with a positive predictive value of 80%. Experimental studies have shown that this missense change affects HMGCS2 function (PMID: 11479731). For these reasons, this variant has been classified as Pathogenic.

Clinical Genomics Laboratory, Washington University in St. Louis
Classification: Pathogenic for 3-hydroxy-3-methylglutaryl-CoA synthase deficiency. Last evaluated: 2025-08-15. Review status: criteria provided, single submitter. Criteria: ACMG Guidelines, 2015. Collection method: clinical testing. Allele origin: germline. Affected: yes.
Comment: The HMGCS2 c.634G>A (p.Gly212Arg) variant has been observed in at least four individuals with 3-hydroxy-3-methylglutaryl-CoA synthase deficiency, each with a distinct pathogenic variant detected in trans (Aledo R et al., PMID: 11479731; Conlon TA et al., PMID: 32905056; Pitt JJ et al., PMID: 25511235; Zschocke J et al., PMID: 12072887). This variant has been reported in the ClinVar database as a germline pathogenic or likely pathogenic variant by four submitters. This variant is only observed on 69/282,510 alleles in the general population (gnomAD v.2.1.1), indicating it is not a common variant. Computational predictors indicate that the variant is damaging, evidence that correlates with impact on HMGCS2 function. In support of this prediction, experimental studies have shown that this missense change affects HMGCS2 protein production/stability and cellular growth (Aledo R et al., PMID: 11479731; Ramos M et al., PMID: 23751782). Based on available information and the ACMG/AMP guidelines for variant interpretation (Richards S et al., PMID: 25741868), this variant is classified as pathogenic.

Genomic Medicine Center of Excellence, King Faisal Specialist Hospital and Research Centre
Classification: Pathogenic for 3-hydroxy-3-methylglutaryl-CoA synthase deficiency. Last evaluated: 2024-04-04. Review status: criteria provided, single submitter. Criteria: ACMG Guidelines, 2015. Collection method: clinical testing. Allele origin: germline.

SIB Swiss Institute of Bioinformatics
Classification: Likely pathogenic for 3-hydroxy-3-methylglutaryl-CoA synthase deficiency. Last evaluated: 2018-10-15. Review status: criteria provided, single submitter. Criteria: ACMG Guidelines, 2015. Collection method: curation. Allele origin: germline.
Comment: This variant is interpreted as Likely Pathogenic, for 3-hydroxy-3-methylglutaryl-coa synthase-2 deficiency, autosomal recessive. The following ACMG Tag(s) were applied: PP3 => Multiple lines of computational evidence support a deleterious effect on the gene or gene product. PS3 => Well-established functional studies show a deleterious effect. PM3 => For recessive disorders, detected in trans with a pathogenic variant. PM2-Supporting => PM2 downgraded in strength to Supporting.

Illumina Laboratory Services, Illumina
Classification: Likely pathogenic for 3-hydroxy-3-methylglutaryl-CoA synthase deficiency. Last evaluated: 2017-04-28. Review status: criteria provided, single submitter. Criteria: ICSL Variant Classification Criteria 09 May 2019. Collection method: clinical testing. Allele origin: germline.
Comment: The HMGCS2 c.634G>A (p.Gly212Arg) missense variant has been reported in three studies in which it is found in a compound heterozygous state in a total of three individuals with HMGCS deficiency (Aledo et al. 2001; Zschocke et al. 2002; Pitt et al. 2015). The variant was absent from 200 control chromosomes but is reported at a frequency of 0.00038 in the European (non-Finnish) population of the Exome Aggregation Consortium. Functional studies in CHO-K1 cells demonstrated that the variant resulted in no detectable HMGS activity (Aledo et al. 2001) and failed to produce a soluble protein as detected by Western blotting (Ramos et al. 2013). Structural studies showed that the Gly212 residue is tightly packed in the thiolase fold, and that substitution with an arginine residue may result in steric and electrostatic clashes (Shafqat et al. 2010). Based on the evidence, the p.Gly212Arg variant is classified as likely pathogenic for 3-hydroxy-3-methylglutaryl-CoA synthase 2 (HMGCS) deficiency. This variant was observed by ICSL as part of a predisposition screen in an ostensibly healthy population.

OMIM
Classification: Pathogenic for MITOCHONDRIAL HMG-CoA SYNTHASE DEFICIENCY. Last evaluated: 2001-07-01. Review status: no assertion criteria provided. Collection method: literature only. Allele origin: germline. Not counted in ClinVar's aggregate classification.

Literature cited by the submitters: PubMed 11479731 (cited by 3 submitters); PubMed 12072887 (cited by Labcorp Genetics (formerly Invitae), Labcorp and Illumina Laboratory Services, Illumina); PubMed 25511235 (cited by Labcorp Genetics (formerly Invitae), Labcorp and Illumina Laboratory Services, Illumina); PubMed 23751782 (cited by Illumina Laboratory Services, Illumina); PubMed 20346956 (cited by Illumina Laboratory Services, Illumina).

NM_005518.4(HMGCS2):c.634G>A (p.Gly212Arg)

Gene: HMGCS2 (3-hydroxy-3-methylglutaryl-CoA synthase 2; minus strand). Cytogenetic location: 1p12.
Variant type: single nucleotide variant.
Coding change: c.634G>A on transcript NM_005518.4 (MANE Select); coding-DNA position 634, G replaced by A.
Protein change: p.Gly212Arg; replaces glycine 212 with arginine.
Molecular consequence: missense variant. On other transcripts: intron variant (1).
Genome position (GRCh38, 1-based): chr1:119,759,915, C>T on the plus strand (G>A on the coding strand, the complement: HMGCS2 is on the minus strand). VCF-style: chr1-119759915-C-T. GRCh37 (hg19) VCF-style: chr1-120302538-C-T.
Other names: c.560-633G>A (NM_001166107.1); short protein forms G212R.
Identifiers: ClinVar variation 9259 (VCV000009259.19), dbSNP rs137852638, ClinGen allele CA120256.
Genomic context (GRCh38, chr1:119,759,915, plus strand): 5'-ACTACAAACCTCGCTCCAGGGCCAGAGGGGCCTTGGGCCCAATCAGCATAGCCACAGCTC[C>T]GGCCCCACCTGTGGGACGAGCATTACCACTGGGATAGACGGCAATGTCTCCACAGACCAC-3'
Protein context (NP_005509.1, residues 202-222): SGNARPTGGA[Gly212Arg]AVAMLIGPKA